The following is an entry in ClinVar:

ClinVar aggregate classification (germline): Uncertain significance (1 of 4 stars; one submission).

Submission:

Labcorp Genetics (formerly Invitae), Labcorp
Classification: Uncertain significance. Last evaluated: 2025-12-20. Review status: criteria provided, single submitter. Criteria: Invitae Variant Classification Sherloc (09022015). Collection method: clinical testing. Allele origin: germline.
Comment: This sequence change replaces serine, which is neutral and polar, with glycine, which is neutral and non-polar, at codon 642 of the MYO6 protein (p.Ser642Gly). This variant is not present in population databases (gnomAD no frequency). This variant has not been reported in the literature in individuals affected with MYO6-related conditions. Invitae Evidence Modeling of protein sequence and biophysical properties (such as structural, functional, and spatial information, amino acid conservation, physicochemical variation, residue mobility, and thermodynamic stability) indicates that this missense variant is expected to disrupt MYO6 protein function with a positive predictive value of 80%. In summary, the available evidence is currently insufficient to determine the role of this variant in disease. Therefore, it has been classified as a Variant of Uncertain Significance.

NM_004999.4(MYO6):c.1924A>G (p.Ser642Gly)

Gene: MYO6 (myosin VI; plus strand). Cytogenetic location: 6q14.1.
Variant type: single nucleotide variant.
Coding change: c.1924A>G on transcript NM_004999.4 (MANE Select); coding-DNA position 1924, A replaced by G.
Protein change: p.Ser642Gly; replaces serine 642 with glycine.
Molecular consequence: missense variant. On other transcripts: non-coding transcript variant (1).
Genome position (GRCh38, 1-based): chr6:75,867,085, A>G. VCF-style: chr6-75867085-A-G. GRCh37 (hg19) VCF-style: chr6-76576802-A-G.
Other names: c.1924A>G, p.Ser642Gly (NM_001300899.2, NM_001368136.1, NM_001368137.1 and 2 more transcripts); c.1909A>G, p.Ser637Gly (NM_001368138.1); short protein forms S642G, S637G.
Identifiers: ClinVar variation 4738694 (VCV004738694.1).